The following is an entry in ClinVar:

ClinVar aggregate classification (germline): Pathogenic/Likely pathogenic. Review status: criteria provided, multiple submitters, no conflicts (2 of 4 stars). 3 submissions from 3 submitters: Pathogenic (1); Likely pathogenic (1). 1 of the submissions does not count toward it. Last evaluated 2023-12-14.

Conditions:
Congenital nonprogressive myopathy with Moebius and Robin sequences. Also called: Carey-Fineman-Ziter syndrome. Identifiers: Orphanet 1358, MedGen C1850746, MONDO:0031415.

Allele frequency attached by ClinVar (database versions not stated): gnomAD exomes below 0.00001; gnomAD 0.00001; TOPMed 0.00002.
gnomAD v4.1: 7 of 1,613,882 alleles (0.00043%); highest among the groups gnomAD compares: South Asian, 0.0011%; no homozygotes.

Submissions (3):

Women's Health and Genetics/Laboratory Corporation of America, LabCorp
Classification: Pathogenic for Congenital nonprogressive myopathy with Moebius and Robin sequences. Last evaluated: 2023-12-14. Review status: criteria provided, single submitter. Criteria: LabCorp Variant Classification Summary - May 2015. Collection method: clinical testing. Allele origin: germline.
Comment: Variant summary: MYMK c.298G>A (p.Gly100Ser) results in a non-conservative amino acid change in the encoded protein sequence. Four of five in-silico tools predict a damaging effect of the variant on protein function. The variant allele was found at a frequency of 4.3e-06 in 1613882 control chromosomes. c.298G>A has been reported in the literature in compound heterozygosity with a pathogenic variant (c.271C>A; p.Pro91Thr) in multiple individuals affected with Congenital Nonprogressive Myopathy With Moebius And Robin Sequences (Di Gioia_2017). These data indicate that the variant is likely to be associated with disease. At least one publication reports experimental evidence evaluating an impact on protein function (Di Gioia_2017). The variant was reported to result in a loss of protein expression and increased cytoplasmic aggregation in vitro compared to wild-type. Furthermore, overexpression of the variant in vitro resulted in no fusogenic activity compared to wild-type, and injection of variant mRNA into an MYMK loss-of-function zebrafish model was unable to rescue the phenotype, unlike wild-type. The following publication has been ascertained in the context of this evaluation (PMID: 28681861). Two submitters have cited clinical-significance assessments for this variant to ClinVar after 2014. All submitters classified the variant as pathogenic/likely pathogenic. Based on the evidence outlined above, the variant was classified as pathogenic.

Laboratorio de Genetica e Diagnostico Molecular, Hospital Israelita Albert Einstein
Classification: Likely pathogenic. Last evaluated: 2020-01-23. Review status: criteria provided, single submitter. Criteria: ACMG Guidelines, 2015. Collection method: clinical testing. Allele origin: germline. Affected: yes.
Comment: ACMG classification criteria: PS3, PS4, PM2, PM3

OMIM
Classification: Pathogenic for CAREY-FINEMAN-ZITER SYNDROME. Last evaluated: 2017-07-19. Review status: no assertion criteria provided. Collection method: literature only. Allele origin: germline. Not counted in ClinVar's aggregate classification.

Literature cited by the submitters: PubMed 28681861 (cited by Women's Health and Genetics/Laboratory Corporation of America, LabCorp and OMIM).

NM_001080483.3(MYMK):c.298G>A (p.Gly100Ser)

Gene: MYMK (myomaker, myoblast fusion factor; minus strand). Cytogenetic location: 9q34.2.
Variant type: single nucleotide variant.
Coding change: c.298G>A on transcript NM_001080483.3 (MANE Select); coding-DNA position 298, G replaced by A.
Protein change: p.Gly100Ser; replaces glycine 100 with serine.
Molecular consequence: missense variant.
Genome position (GRCh38, 1-based): chr9:133,518,975, C>T on the plus strand (G>A on the coding strand, the complement: MYMK is on the minus strand). VCF-style: chr9-133518975-C-T. GRCh37 (hg19) VCF-style: chr9-136384097-C-T.
Other names: short protein forms G100S.
Identifiers: ClinVar variation 430841 (VCV000430841.4), dbSNP rs964335184, ClinGen allele CA200936617.